The following is an entry in ClinVar:

ClinVar aggregate classification (germline): Uncertain significance (1 of 4 stars; one submission).

Conditions:
Deafness-lymphedema-leukemia syndrome. Also called: Lymphedema, primary, with myelodysplasia; Emberger syndrome. Identifiers: Orphanet 3226, MedGen C3279664, MONDO:0013540, OMIM 614038.
Monocytopenia with susceptibility to infections. Also called: MONOCYTOPENIA AND MYCOBACTERIAL INFECTION SYNDROME; MONOCYTOPENIA WITH SUSCEPTIBILITY TO MYCOBACTERIAL, FUNGAL, AND PAPILLOMAVIRUS INFECTIONS AND MYELODYSPLASIA; COMBINED IMMUNODEFICIENCY WITH SUSCEPTIBILITY TO MYCOBACTERIAL, VIRAL, AND FUNGAL INFECTIONS; Dendritic cell, monocyte, B lymphocyte, and natural killer lymphocyte deficiency; IMMUNODEFICIENCY 21; GATA2 DEFICIENCY. Identifiers: Orphanet 228423, MedGen C3280030, MONDO:0013607, OMIM 614172.

Submission:

Labcorp Genetics (formerly Invitae), Labcorp
Classification: Uncertain significance for Monocytopenia with susceptibility to infections; Deafness-lymphedema-leukemia syndrome. Last evaluated: 2025-07-19. Review status: criteria provided, single submitter. Criteria: Invitae Variant Classification Sherloc (09022015). Collection method: clinical testing. Allele origin: germline.
Comment: This sequence change replaces arginine, which is basic and polar, with histidine, which is basic and polar, at codon 69 of the GATA2 protein (p.Arg69His). This variant is not present in population databases (gnomAD no frequency). This variant has not been reported in the literature in individuals affected with GATA2-related conditions. ClinVar contains an entry for this variant (Variation ID: 650167). Invitae Evidence Modeling of protein sequence and biophysical properties (such as structural, functional, and spatial information, amino acid conservation, physicochemical variation, residue mobility, and thermodynamic stability) has been performed for this missense variant. However, the output from this modeling did not meet the statistical confidence thresholds required to predict the impact of this variant on GATA2 protein function. In summary, the available evidence is currently insufficient to determine the role of this variant in disease. Therefore, it has been classified as a Variant of Uncertain Significance.

NM_032638.5(GATA2):c.206G>A (p.Arg69His)

Gene: GATA2 (GATA binding protein 2; minus strand). Cytogenetic location: 3q21.3.
Variant type: single nucleotide variant.
Coding change: c.206G>A on transcript NM_032638.5 (MANE Select); coding-DNA position 206, G replaced by A.
Protein change: p.Arg69His; replaces arginine 69 with histidine.
Molecular consequence: missense variant.
Genome position (GRCh38, 1-based): chr3:128,486,826, C>T on the plus strand (G>A on the coding strand, the complement: GATA2 is on the minus strand). VCF-style: chr3-128486826-C-T. GRCh37 (hg19) VCF-style: chr3-128205669-C-T.
Other names: c.206G>A, p.Arg69His (NM_001145661.2, NM_001145662.1); short protein forms R69H.
Identifiers: ClinVar variation 650167 (VCV000650167.8), dbSNP rs1457679310, ClinGen allele CA354408281.
Genomic context (GRCh38, chr3:128,486,826, plus strand): 5'-GCGCCTGGGTTCTCATCACCACGGGCCCAGTGCTCACCGTGCGCGGGGCTGTAGGAGACG[C>T]GCGCCCGCGCGTGAGCGGGGTTGGCATAGTAGGGGTTGCCCTGCGAGTCGAGGTGATTGA-3'
Protein context (NP_116027.2, residues 59-79): YYANPAHARA[Arg69His]VSYSPAHARL